The following is an entry in ClinVar:

ClinVar aggregate classification (germline): Uncertain significance (1 of 4 stars; one submission).

Conditions:
Aicardi-Goutieres syndrome 7 (AGS7). Identifiers: Orphanet 51, MedGen C3888244, MONDO:0014367, OMIM 615846.
Singleton-Merten syndrome 1 (SGMRT1). Also called: Widened medullary cavities of bone, aortic calcification, abnormal dentition, and muscular weakness; Syndrome of widened medullary cavities of the metacarpals and phalanges, aortic calcification and abnormal dentition. Identifiers: Orphanet 85191, MedGen C4225427, MONDO:0024535, OMIM 182250.

Submission:

Labcorp Genetics (formerly Invitae), Labcorp
Classification: Uncertain significance for Aicardi-Goutieres syndrome 7; Singleton-Merten syndrome 1. Last evaluated: 2023-06-28. Review status: criteria provided, single submitter. Criteria: Invitae Variant Classification Sherloc (09022015). Collection method: clinical testing. Allele origin: germline.
Comment: This sequence change replaces asparagine, which is neutral and polar, with histidine, which is basic and polar, at codon 449 of the IFIH1 protein (p.Asn449His). In summary, the available evidence is currently insufficient to determine the role of this variant in disease. Therefore, it has been classified as a Variant of Uncertain Significance. Algorithms developed to predict the effect of missense changes on protein structure and function output the following: SIFT: "Not Available"; PolyPhen-2: "Benign"; Align-GVGD: "Not Available". The histidine amino acid residue is found in multiple mammalian species, which suggests that this missense change does not adversely affect protein function. This variant has not been reported in the literature in individuals affected with IFIH1-related conditions. This variant is not present in population databases (gnomAD no frequency).

NM_022168.4(IFIH1):c.1345A>C (p.Asn449His)

Gene: IFIH1 (interferon induced with helicase C domain 1; minus strand). Cytogenetic location: 2q24.2.
Variant type: single nucleotide variant.
Coding change: c.1345A>C on transcript NM_022168.4 (MANE Select); coding-DNA position 1345, A replaced by C.
Protein change: p.Asn449His; replaces asparagine 449 with histidine.
Molecular consequence: missense variant.
Genome position (GRCh38, 1-based): chr2:162,281,507, T>G on the plus strand (A>C on the coding strand, the complement: IFIH1 is on the minus strand). VCF-style: chr2-162281507-T-G. GRCh37 (hg19) VCF-style: chr2-163138017-T-G.
Other names: short protein forms N449H.
Identifiers: ClinVar variation 2949401 (VCV002949401.3), dbSNP rs2468964347, ClinGen allele CA349002538.